The following is an entry in ClinVar:

ClinVar aggregate classification (germline): Uncertain significance (1 of 4 stars; one submission).

Conditions:
RYR1-related disorder. Also called: RYR1-related condition; RYR1-related disorders. Identifiers: MedGen CN239331.

Allele frequency attached by ClinVar (database versions not stated): ExAC 0.00001; gnomAD 0.00001; ESP Exome Variant Server 0.00008.
gnomAD v4.1: 74 of 1,614,028 alleles (0.0046%); highest among the groups gnomAD compares: Non-Finnish European, 0.0062%; no homozygotes.

Submission:

Labcorp Genetics (formerly Invitae), Labcorp
Classification: Uncertain significance for RYR1-related disorder. Last evaluated: 2024-08-17. Review status: criteria provided, single submitter. Criteria: Invitae Variant Classification Sherloc (09022015). Collection method: clinical testing. Allele origin: germline.
Comment: This sequence change replaces alanine, which is neutral and non-polar, with glycine, which is neutral and non-polar, at codon 2999 of the RYR1 protein (p.Ala2999Gly). This variant is present in population databases (rs374272827, gnomAD 0.002%). This variant has not been reported in the literature in individuals affected with RYR1-related conditions. ClinVar contains an entry for this variant (Variation ID: 1346715). Invitae Evidence Modeling of protein sequence and biophysical properties (such as structural, functional, and spatial information, amino acid conservation, physicochemical variation, residue mobility, and thermodynamic stability) indicates that this missense variant is not expected to disrupt RYR1 protein function with a negative predictive value of 95%. In summary, the available evidence is currently insufficient to determine the role of this variant in disease. Therefore, it has been classified as a Variant of Uncertain Significance.

NM_000540.3(RYR1):c.8996C>G (p.Ala2999Gly)

Gene: RYR1 (ryanodine receptor 1; plus strand). Cytogenetic location: 19q13.2.
Variant type: single nucleotide variant.
Coding change: c.8996C>G on transcript NM_000540.3 (MANE Select); coding-DNA position 8996, C replaced by G.
Protein change: p.Ala2999Gly; replaces alanine 2999 with glycine.
Molecular consequence: missense variant.
Genome position (GRCh38, 1-based): chr19:38,510,561, C>G. VCF-style: chr19-38510561-C-G. GRCh37 (hg19) VCF-style: chr19-39001201-C-G.
Other names: c.8996C>G, p.Ala2999Gly (NM_001042723.2); short protein forms A2999G.
Identifiers: ClinVar variation 1346715 (VCV001346715.4), dbSNP rs374272827, ClinGen allele CA073022.